The following is an entry in ClinVar:

ClinVar aggregate classification (germline): Conflicting classifications of pathogenicity. Review status: criteria provided, conflicting classifications (1 of 4 stars). 7 submissions from 7 submitters: Uncertain significance (1); Benign (1); Likely benign (4). 1 of the submissions does not count toward it. Last evaluated 2026-01-13.

Conditions:
SCN2A-related disorder. Also called: SCN2A-related condition; SCN2A-related disorders. Identifiers: MedGen CN382226, MONDO:1060245.
Inborn genetic diseases. Identifiers: MedGen C0950123, MeSH D030342.
Developmental and epileptic encephalopathy, 11 (DEE11). Also called: Early infantile epileptic encephalopathy 11. Identifiers: Orphanet 1934, MedGen C3150987, MONDO:0013388, OMIM 613721.
Seizures, benign familial infantile, 3 (BFIS3). Also called: CONVULSIONS, BENIGN FAMILIAL INFANTILE, 3; Familial neonatal seizures. Identifiers: Orphanet 140927, Orphanet 306, MedGen C1843140, MONDO:0011904, OMIM 607745.

Allele frequency attached by ClinVar (database versions not stated): TOPMed 0.00006; ESP Exome Variant Server 0.00023; gnomAD exomes 0.00002 and 0.00006; ExAC 0.00005; gnomAD 0.00006.
gnomAD v4.1: 36 of 1,613,580 alleles (0.0022%); highest among the groups gnomAD compares: East Asian, 0.016%; no homozygotes.

Submissions (7):

Labcorp Genetics (formerly Invitae), Labcorp
Classification: Likely benign for Seizures, benign familial infantile, 3; Developmental and epileptic encephalopathy, 11. Last evaluated: 2026-01-13. Review status: criteria provided, single submitter. Criteria: Invitae Variant Classification Sherloc (09022015). Collection method: clinical testing. Allele origin: germline.

Blueprint Genetics
Classification: Likely benign. Last evaluated: 2024-06-12. Review status: criteria provided, single submitter. Criteria: ACMG Guidelines, 2015. Collection method: clinical testing. Allele origin: germline.

CeGaT Center for Human Genetics Tuebingen
Classification: Likely benign. Last evaluated: 2023-08-01. Review status: criteria provided, single submitter. Criteria: CeGaT Center For Human Genetics Tuebingen Variant Classification Criteria Version 2. Collection method: clinical testing. Allele origin: germline. Affected: yes. Observed: 1 variant allele.
Comment: SCN2A: BP4, BP7

Ambry Genetics
Classification: Likely benign for Inborn genetic diseases. Last evaluated: 2017-06-07. Review status: criteria provided, single submitter. Criteria: Ambry Variant Classification Scheme 2023. Collection method: clinical testing. Allele origin: germline.

Eurofins Ntd Llc (ga)
Classification: Uncertain significance. Last evaluated: 2015-10-13. Review status: criteria provided, single submitter. Criteria: EGL Classification Definitions 2015. Collection method: clinical testing. Allele origin: germline. Observed: 1 variant allele, 1 heterozygote.

GeneDx
Classification: Benign. Last evaluated: 2014-09-29. Review status: criteria provided, single submitter. Criteria: GeneDx Variant Classification (06012015). Collection method: clinical testing. Allele origin: germline. Affected: yes.
Comment: This variant is considered likely benign or benign based on one or more of the following criteria: it is a conservative change, it occurs at a poorly conserved position in the protein, it is predicted to be benign by multiple in silico algorithms, and/or has population frequency not consistent with disease.

PreventionGenetics, part of Exact Sciences
Classification: Likely benign for SCN2A-related condition. Last evaluated: 2019-10-25. Review status: no assertion criteria provided. Collection method: clinical testing. Allele origin: germline. Not counted in ClinVar's aggregate classification.
Comment: This variant is classified as likely benign based on ACMG/AMP sequence variant interpretation guidelines (Richards et al. 2015 PMID: 25741868, with internal and published modifications).

NM_001040142.2(SCN2A):c.3456C>T (p.Ala1152=)

Gene: SCN2A (sodium voltage-gated channel alpha subunit 2; plus strand). Cytogenetic location: 2q24.3.
Variant type: single nucleotide variant.
Coding change: c.3456C>T on transcript NM_001040142.2 (MANE Select); coding-DNA position 3456, C replaced by T.
Protein change: p.Ala1152=; no amino-acid change (alanine 1152 retained).
Molecular consequence: synonymous variant.
Genome position (GRCh38, 1-based): chr2:165,365,199, C>T. VCF-style: chr2-165365199-C-T. GRCh37 (hg19) VCF-style: chr2-166221709-C-T.
Other names: p.A1152A:GCC>GCT; c.3456C>T, p.Ala1152= (NM_001040143.2, NM_001371246.1, NM_001371247.1 and 1 more transcripts).
Identifiers: ClinVar variation 206953 (VCV000206953.45), dbSNP rs144325450, ClinGen allele CA317839.